The following is an entry in ClinVar:

NM_000075.4(CDK4):c.544G>T (p.Ala182Ser)

Gene: CDK4 (cyclin dependent kinase 4; minus strand). Cytogenetic location: 12q14.1.
Variant type: single nucleotide variant.
Coding change: c.544G>T on transcript NM_000075.4 (MANE Select); coding-DNA position 544, G replaced by T.
Protein change: p.Ala182Ser; replaces alanine 182 with serine.
Molecular consequence: missense variant.
Genome position (GRCh38, 1-based): chr12:57,750,744, C>A on the plus strand (G>T on the coding strand, the complement: CDK4 is on the minus strand). VCF-style: chr12-57750744-C-A. GRCh37 (hg19) VCF-style: chr12-58144527-C-A.
Other names: short protein forms A182S.
Identifiers: ClinVar variation 2099530 (VCV002099530.4), dbSNP rs2140385841, ClinGen allele CA385545927.

ClinVar aggregate classification (germline): Uncertain significance (1 of 4 stars; one submission).

Conditions:
Familial melanoma. Also called: Hereditary melanoma; Hereditary cutaneous melanoma. Identifiers: Orphanet 618, MedGen C1512419, MONDO:0018961.

Submission:

Labcorp Genetics (formerly Invitae), Labcorp
Classification: Uncertain significance for Familial melanoma. Last evaluated: 2021-11-15. Review status: criteria provided, single submitter. Criteria: Invitae Variant Classification Sherloc (09022015). Collection method: clinical testing. Allele origin: germline.
Comment: This variant is not present in population databases (gnomAD no frequency). This sequence change replaces alanine, which is neutral and non-polar, with serine, which is neutral and polar, at codon 182 of the CDK4 protein (p.Ala182Ser). This variant has not been reported in the literature in individuals affected with CDK4-related conditions. Algorithms developed to predict the effect of missense changes on protein structure and function (SIFT, PolyPhen-2, Align-GVGD) all suggest that this variant is likely to be tolerated. In summary, the available evidence is currently insufficient to determine the role of this variant in disease. Therefore, it has been classified as a Variant of Uncertain Significance.